The following is an entry in ClinVar:

NM_000051.4(ATM):c.8872T>C (p.Phe2958Leu)

Genes: ATM (ATM serine/threonine kinase; plus strand), C11orf65 (chromosome 11 open reading frame 65; minus strand). Cytogenetic location: 11q22.3.
Variant type: single nucleotide variant.
Coding change: c.8872T>C on transcript NM_000051.4 (MANE Select); coding-DNA position 8872, T replaced by C.
Protein change: p.Phe2958Leu; replaces phenylalanine 2958 with leucine.
Molecular consequence: missense variant. On other transcripts: intron variant (2).
Genome position (GRCh38, 1-based): chr11:108,365,103, T>C. VCF-style: chr11-108365103-T-C. GRCh37 (hg19) VCF-style: chr11-108235830-T-C.
Other names: c.8872T>C, p.Phe2958Leu (NM_001351834.2); c.640+20817A>G (NM_001330368.2); c.694+20817A>G (NM_001351110.2); short protein forms F2958L.
Identifiers: ClinVar variation 2091962 (VCV002091962.5), dbSNP rs2137872717, ClinGen allele CA382529618.

ClinVar aggregate classification (germline): Uncertain significance. Review status: criteria provided, multiple submitters, no conflicts (2 of 4 stars). 2 submissions from 2 submitters: Uncertain significance (2). Last evaluated 2024-04-03.

Conditions:
Ataxia-telangiectasia syndrome (AT). Also called: ATAXIA-TELANGIECTASIA, COMPLEMENTATION GROUP A; ATAXIA-TELANGIECTASIA, FRESNO VARIANT; Ataxia-telangiectasia; Ataxia-telangiectasia, complementation group E; LOUIS-BAR SYNDROME; Cerebello-oculocutaneous telangiectasia. Identifiers: Orphanet 100, MedGen C0004135, MONDO:0008840, OMIM 208900.
Hereditary cancer-predisposing syndrome. Also called: Tumor predisposition; Hereditary Cancer Syndrome; Hereditary neoplastic syndrome; Neoplastic Syndromes, Hereditary. Identifiers: Orphanet 140162, MedGen C0027672, MeSH D009386, MONDO:0015356.

Submissions (2):

Ambry Genetics
Classification: Uncertain significance for Hereditary cancer-predisposing syndrome. Last evaluated: 2024-04-03. Review status: criteria provided, single submitter. Criteria: Ambry Variant Classification Scheme 2023. Collection method: clinical testing. Allele origin: germline.
Comment: The p.F2958L variant (also known as c.8872T>C), located in coding exon 61 of the ATM gene, results from a T to C substitution at nucleotide position 8872. The phenylalanine at codon 2958 is replaced by leucine, an amino acid with highly similar properties. This amino acid position is highly conserved in available vertebrate species. In addition, this alteration is predicted to be deleterious by in silico analysis. Based on the available evidence, the clinical significance of this alteration remains unclear.

Labcorp Genetics (formerly Invitae), Labcorp
Classification: Uncertain significance for Ataxia-telangiectasia syndrome. Last evaluated: 2022-08-27. Review status: criteria provided, single submitter. Criteria: Invitae Variant Classification Sherloc (09022015). Collection method: clinical testing. Allele origin: germline.
Comment: In summary, the available evidence is currently insufficient to determine the role of this variant in disease. Therefore, it has been classified as a Variant of Uncertain Significance. Advanced modeling of protein sequence and biophysical properties (such as structural, functional, and spatial information, amino acid conservation, physicochemical variation, residue mobility, and thermodynamic stability) performed at Invitae indicates that this missense variant is expected to disrupt ATM protein function. This variant has not been reported in the literature in individuals affected with ATM-related conditions. This variant is not present in population databases (gnomAD no frequency). This sequence change replaces phenylalanine, which is neutral and non-polar, with leucine, which is neutral and non-polar, at codon 2958 of the ATM protein (p.Phe2958Leu).